The following is an entry in ClinVar:

NM_001283009.2(RTEL1):c.2495G>A (p.Arg832Lys)

Genes: RTEL1 (regulator of telomere elongation helicase 1; plus strand), RTEL1-TNFRSF6B (RTEL1-TNFRSF6B readthrough (NMD candidate); plus strand). Cytogenetic location: 20q13.33.
Variant type: single nucleotide variant.
Coding change: c.2495G>A on transcript NM_001283009.2 (MANE Select); coding-DNA position 2495, G replaced by A.
Protein change: p.Arg832Lys; replaces arginine 832 with lysine.
Molecular consequence: missense variant. On other transcripts: non-coding transcript variant (1).
Genome position (GRCh38, 1-based): chr20:63,690,886, G>A. VCF-style: chr20-63690886-G-A. GRCh37 (hg19) VCF-style: chr20-62322239-G-A.
Other names: c.1826G>A, p.Arg609Lys (NM_001283010.1); c.2495G>A, p.Arg832Lys (NM_016434.4); c.2567G>A, p.Arg856Lys (NM_032957.5); short protein forms R609K, R832K, R856K.
Identifiers: ClinVar variation 3343033 (VCV003343033.2).
Genomic context (GRCh38, chr20:63,690,886, plus strand): 5'-CCGAGAGTAGCCTGTGTGTGGAGTATGAGCAGGAGCCAGTTCCTGCCCGGCAGAGGCCCA[G>A]GGGGCTGCTGGCCGCCCTGGAGCACAGCGAACAGCGGGCGGGGAGCCCTGGCGAGGAGCA-3'
Protein context (NP_001269938.1, residues 822-842): QEPVPARQRP[Arg832Lys]GLLAALEHSE

ClinVar aggregate classification (germline): Uncertain significance. Review status: criteria provided, multiple submitters, no conflicts (2 of 4 stars). 2 submissions from 2 submitters: Uncertain significance (2). Last evaluated 2024-11-28.

Conditions:
Inborn genetic diseases. Identifiers: MedGen C0950123, MeSH D030342.

gnomAD v4.1: 13 of 1,589,592 alleles (0.00082%); highest among the groups gnomAD compares: Non-Finnish European, 0.0011%; no homozygotes.

Submissions (2):

Ambry Genetics
Classification: Uncertain significance for Inborn genetic diseases. Last evaluated: 2024-11-28. Review status: criteria provided, single submitter. Criteria: Ambry Variant Classification Scheme 2023. Collection method: clinical testing. Allele origin: germline.
Comment: The p.R832K variant (also known as c.2495G>A), located in coding exon 26 of the RTEL1 gene, results from a G to A substitution at nucleotide position 2495. The arginine at codon 832 is replaced by lysine, an amino acid with highly similar properties. This amino acid position is conserved. In addition, this alteration is predicted to be tolerated by in silico analysis. Based on the available evidence, the clinical significance of this variant remains unclear.

GeneDx
Classification: Uncertain significance. Last evaluated: 2023-04-13. Review status: criteria provided, single submitter. Criteria: GeneDx Variant Classification Process June 2021. Collection method: clinical testing. Allele origin: germline. Affected: yes.
Comment: Not observed at significant frequency in large population cohorts (gnomAD); In silico analysis supports that this missense variant does not alter protein structure/function; Has not been previously published as pathogenic or benign to our knowledge; This variant is associated with the following publications: (PMID: 33515627)